The following is an entry in ClinVar:

NM_002303.6(LEPR):c.1285+9A>G

Gene: LEPR (leptin receptor; plus strand). Cytogenetic location: 1p31.3.
Variant type: single nucleotide variant.
Coding change: c.1285+9A>G on transcript NM_002303.6 (MANE Select); 9 bases into the intron after coding-DNA position 1285, A replaced by G.
Molecular consequence: intron variant.
Genome position (GRCh38, 1-based): chr1:65,601,691, A>G. VCF-style: chr1-65601691-A-G. GRCh37 (hg19) VCF-style: chr1-66067374-A-G.
Other names: c.1285+9A>G (NM_001003679.3, NM_001003680.3, NM_001198689.2 and 2 more transcripts).
Identifiers: ClinVar variation 3354352 (VCV003354352.1).
Genomic context (GRCh38, chr1:65,601,691, plus strand): 5'-TGCTGCAATGAACATGAATGCCATCATCGCTATGCTGAATTATATGTGATTGGTAAGAAA[A>G]CAGAGGTTTTGTTCATTTTGTTCCACAACTTGAATTTTCATTATGGACCCTCCTTATATT-3'

ClinVar aggregate classification (germline): Likely benign (0 of 4 stars; one submission).

Conditions:
LEPR-related disorder. Also called: LEPR-related condition; LEPR-related disorders.

gnomAD v4.1: 1 of 1,613,504 alleles (0.000062%); highest among the groups gnomAD compares: Non-Finnish European, 0.000085%; no homozygotes.

Submission:

PreventionGenetics, part of Exact Sciences
Classification: Likely benign for LEPR-related condition. Last evaluated: 2022-10-04. Review status: no assertion criteria provided. Collection method: clinical testing. Allele origin: germline.
Comment: This variant is classified as likely benign based on ACMG/AMP sequence variant interpretation guidelines (Richards et al. 2015 PMID: 25741868, with internal and published modifications).